The following is an entry in ClinVar:

ClinVar aggregate classification (germline): Uncertain significance (1 of 4 stars; one submission).

Submission:

GeneDx
Classification: Uncertain significance. Last evaluated: 2026-04-11. Review status: criteria provided, single submitter. Criteria: GeneDx Variant Classification Process June 2021. Collection method: clinical testing. Allele origin: germline.
Comment: Not observed at significant frequency in large population cohorts (gnomAD); Frameshift variant predicted to result in abnormal protein length as the last 195 amino acid(s) are replaced with 161 different amino acid(s); Has not been previously published as pathogenic or benign to our knowledge

NM_005982.4(SIX1):c.268del (p.Ala90fs)

Gene: SIX1 (SIX homeobox 1; minus strand). Cytogenetic location: 14q23.1.
Variant type: Deletion.
Coding change: c.268del on transcript NM_005982.4 (MANE Select); coding-DNA position 268, one base deleted (G; older notation c.268delG).
Protein change: p.Ala90fs; shifts the reading frame from alanine 90.
Molecular consequence: frameshift variant.
Genome position (GRCh38, 1-based): chr14:60,648,922, C deleted on the plus strand (G on the coding strand, the reverse complement: SIX1 is on the minus strand); the first of 2 consecutive C bases (chr14:60,648,922-60,648,923); deleting either gives the same sequence. VCF-style (leftmost placement, unchanged base first): chr14-60648921-GC-G. GRCh37 (hg19) VCF-style: chr14-61115639-GC-G.
Other names: c.268del, p.Ala90fs (NM_001425142.1); short protein forms A90fs.
Identifiers: ClinVar variation 5018429 (VCV005018429.1).